The following is an entry in ClinVar:

NM_021930.6(RINT1):c.682C>T (p.Leu228Phe)

Gene: RINT1 (RAD50 interactor 1; plus strand). Cytogenetic location: 7q22.3.
Variant type: single nucleotide variant.
Coding change: c.682C>T on transcript NM_021930.6 (MANE Select); coding-DNA position 682, C replaced by T.
Protein change: p.Leu228Phe; replaces leucine 228 with phenylalanine.
Molecular consequence: missense variant. On other transcripts: 5 prime UTR variant (2), non-coding transcript variant (1), intron variant (1).
Genome position (GRCh38, 1-based): chr7:105,547,076, C>T. VCF-style: chr7-105547076-C-T. GRCh37 (hg19) VCF-style: chr7-105187523-C-T.
Other names: c.448C>T, p.Leu150Phe (NM_001346599.2); c.-338C>T (NM_001346600.2); c.-241C>T (NM_001346601.2); c.-27-2979C>T (NM_001346603.2); short protein forms L150F, L228F.
Identifiers: ClinVar variation 3227666 (VCV003227666.1), dbSNP rs375350464, ClinGen allele CA164055250.

ClinVar aggregate classification (germline): Uncertain significance (1 of 4 stars; one submission).

Allele frequency attached by ClinVar (database versions not stated): gnomAD exomes below 0.00001; ESP Exome Variant Server 0.00008.
gnomAD v4.1: 5 of 1,613,604 alleles (0.00031%); highest among the groups gnomAD compares: Non-Finnish European, 0.00042%; no homozygotes.

Submission:

Ambry Genetics
Classification: Uncertain significance. Last evaluated: 2023-12-20. Review status: criteria provided, single submitter. Criteria: Ambry Variant Classification Scheme 2023. Collection method: clinical testing. Allele origin: germline.
Comment: The p.L228F variant (also known as c.682C>T), located in coding exon 5 of the RINT1 gene, results from a C to T substitution at nucleotide position 682. The leucine at codon 228 is replaced by phenylalanine, an amino acid with highly similar properties. This amino acid position is conserved. In addition, the in silico prediction for this alteration is inconclusive. Since supporting evidence is limited at this time, the clinical significance of this alteration remains unclear.